The following is an entry in ClinVar:

ClinVar aggregate classification (germline): Likely pathogenic (1 of 4 stars; one submission).

Conditions:
Vanishing white matter disease. Also called: CACH syndrome; Childhood ataxia with diffuse central nervous system hypomyelination; Leukoencephalopathy with vanishing white matter; CACH/VWM syndrome; Cree leukoencehalopathy. Identifiers: Orphanet 135, Orphanet 99853, MedGen C1858991, MONDO:0800448.

Submission:

Women's Health and Genetics/Laboratory Corporation of America, LabCorp
Classification: Likely pathogenic for Vanishing white matter disease. Last evaluated: 2024-06-26. Review status: criteria provided, single submitter. Criteria: LabCorp Variant Classification Summary - May 2015. Collection method: clinical testing. Allele origin: germline.
Comment: Variant summary: EIF2B4 c.1180C>T (p.Leu394Phe) results in a non-conservative amino acid change in the encoded protein sequence. Five of five in-silico tools predict a damaging effect of the variant on protein function. The variant was absent in 251490 control chromosomes. c.1180C>T has been reported in the literature in the homozygous state in at least 2 individuals affected with Leukoencephalopathy With Vanishing White Matter (example, Deng_2021, Zhang_2015). These data indicate that the variant is likely to be associated with disease. To our knowledge, no experimental evidence demonstrating an impact on protein function has been reported. The following publications have been ascertained in the context of this evaluation (PMID: 34745209, 25761052). No submitters have cited clinical-significance assessments for this variant to ClinVar. Based on the evidence outlined above, the variant was classified as likely pathogenic.

Literature cited by the submitters: PubMed 25761052; PubMed 34745209.

NM_001034116.2(EIF2B4):c.1183C>T (p.Leu395Phe)

Genes: EIF2B4 (eukaryotic translation initiation factor 2B subunit delta; minus strand), GTF3C2-AS2 (GTF3C2 antisense RNA 2; plus strand). Cytogenetic location: 2p23.3.
Variant type: single nucleotide variant.
Coding change: c.1183C>T on transcript NM_001034116.2 (MANE Select); coding-DNA position 1183, C replaced by T.
Protein change: p.Leu395Phe; replaces leucine 395 with phenylalanine.
Molecular consequence: missense variant.
Genome position (GRCh38, 1-based): chr2:27,366,767, G>A on the plus strand (C>T on the coding strand, the complement: EIF2B4 is on the minus strand). VCF-style: chr2-27366767-G-A. GRCh37 (hg19) VCF-style: chr2-27589634-G-A.
Other names: c.1246C>T, p.Leu416Phe (NM_001318965.2); c.1138C>T, p.Leu380Phe (NM_001318966.2); c.1090C>T, p.Leu364Phe (NM_001318967.2); c.598C>T, p.Leu200Phe (NM_001318968.2); c.565C>T, p.Leu189Phe (NM_001318969.2); c.1180C>T, p.Leu394Phe (NM_015636.4); c.1243C>T, p.Leu415Phe (NM_172195.4); short protein forms L189F, L200F, L364F, L380F, L394F, L395F, L415F, L416F.
Identifiers: ClinVar variation 3339607 (VCV003339607.1).
Genomic context (GRCh38, chr2:27,366,767, plus strand): 5'-ACTACTACACCTTTTCACCGCCAACTTTGGAGTCCTTTTCCTCTGTACTTACCTCTGGGA[G>A]CACATAGGAGGCTGCAGGAATCAGCAGGTAGGAGGCTGGGACACCAGCATGGACTAGAGA-3'
Protein context (NP_001029288.1, residues 385-405): YLLIPAASYV[Leu395Phe]PEVSKVLLGA